The following is an entry in ClinVar:

NM_005035.4(POLRMT):c.526G>A (p.Glu176Lys)

Gene: POLRMT (RNA polymerase mitochondrial; minus strand). Cytogenetic location: 19p13.3.
Variant type: single nucleotide variant.
Coding change: c.526G>A on transcript NM_005035.4 (MANE Select); coding-DNA position 526, G replaced by A.
Protein change: p.Glu176Lys; replaces glutamic acid 176 with lysine.
Molecular consequence: missense variant. On other transcripts: non-coding transcript variant (1).
Genome position (GRCh38, 1-based): chr19:629,836, C>T on the plus strand (G>A on the coding strand, the complement: POLRMT is on the minus strand). VCF-style: chr19-629836-C-T. GRCh37 (hg19) VCF-style: chr19-629836-C-T.
Other names: c.526G>A, p.Glu176Lys (NM_001407805.1, NM_001407806.1, NM_001407807.1 and 12 more transcripts); c.202G>A, p.Glu68Lys (NM_001407831.1, NM_001407833.1, NM_001407834.1 and 2 more transcripts); short protein forms E176K, E68K.
Identifiers: ClinVar variation 4141617 (VCV004141617.2).

ClinVar aggregate classification (germline): Uncertain significance. Review status: criteria provided, multiple submitters, no conflicts (2 of 4 stars). 2 submissions from 2 submitters: Uncertain significance (2). Last evaluated 2026-08-06.

Conditions:
Combined oxidative phosphorylation deficiency 55 (COXPD55). Identifiers: MedGen C5676915, MONDO:0859228, OMIM 619743.

gnomAD v4.1: 464 of 1,604,312 alleles (0.029%); highest among the groups gnomAD compares: Non-Finnish European, 0.03%; no homozygotes.

Submissions (2):

OLLIN Analises Genomicas, OLLIN
Classification: Uncertain significance for Combined oxidative phosphorylation deficiency 55. Last evaluated: 2026-08-06. Review status: criteria provided, single submitter. Criteria: ACMG Guidelines 2015 PMID 25741868. Collection method: clinical testing. Allele origin: germline. Inheritance: Autosomal dominant inheritance.
Comment: This missense variant, located in exon 3 (of 21), has been observed in gnomAD with an allele frequency of 0.029%, but has not been reported in ClinVar or identified in the literature. In silico analysis predicts that this variant has a tolerated effect. According to the currently available evidence, this variant has been classified as uncertain significance (BP4_S).

Ambry Genetics
Classification: Uncertain significance. Last evaluated: 2025-08-01. Review status: criteria provided, single submitter. Criteria: Ambry Variant Classification Scheme 2023. Collection method: clinical testing. Allele origin: germline.